The following is an entry in ClinVar:

ClinVar aggregate classification (germline): Uncertain significance. Review status: criteria provided, multiple submitters, no conflicts (2 of 4 stars). 3 submissions from 3 submitters: Uncertain significance (3). Last evaluated 2024-12-16.

Conditions:
Ghosal hematodiaphyseal dysplasia. Also called: Ghosal hematodiaphyseal syndrome. Identifiers: Orphanet 1802, MedGen C1856465, MONDO:0009274, OMIM 231095.
Inborn genetic diseases. Identifiers: MedGen C0950123, MeSH D030342.

Allele frequency attached by ClinVar (database versions not stated): ExAC 0.00001; TOPMed 0.00003; gnomAD 0.00006; ESP Exome Variant Server 0.00008.
gnomAD v4.1: 75 of 1,614,010 alleles (0.0046%); highest among the groups gnomAD compares: Non-Finnish European, 0.0061%; no homozygotes.

Submissions (3):

Ambry Genetics
Classification: Uncertain significance for Inborn genetic diseases. Last evaluated: 2024-12-16. Review status: criteria provided, single submitter. Criteria: Ambry Variant Classification Scheme 2023. Collection method: clinical testing. Allele origin: germline.

Blueprint Genetics
Classification: Uncertain significance. Last evaluated: 2024-06-19. Review status: criteria provided, single submitter. Criteria: ACMG Guidelines, 2015. Collection method: clinical testing. Allele origin: germline.

Labcorp Genetics (formerly Invitae), Labcorp
Classification: Uncertain significance. Last evaluated: 2022-06-11. Review status: criteria provided, single submitter. Criteria: Invitae Variant Classification Sherloc (09022015). Collection method: clinical testing. Allele origin: germline.
Comment: This sequence change replaces valine, which is neutral and non-polar, with isoleucine, which is neutral and non-polar, at codon 90 of the TBXAS1 protein (p.Val90Ile). This variant is present in population databases (rs149814692, gnomAD 0.03%). This variant has not been reported in the literature in individuals affected with TBXAS1-related conditions. Algorithms developed to predict the effect of missense changes on protein structure and function are either unavailable or do not agree on the potential impact of this missense change (SIFT: "Tolerated"; PolyPhen-2: "Possibly Damaging"; Align-GVGD: "Class C0"). In summary, the available evidence is currently insufficient to determine the role of this variant in disease. Therefore, it has been classified as a Variant of Uncertain Significance.

NM_001061.7(TBXAS1):c.265G>A (p.Val89Ile)

Gene: TBXAS1 (thromboxane A synthase 1; plus strand). Cytogenetic location: 7q34.
Variant type: single nucleotide variant.
Coding change: c.265G>A on transcript NM_001061.7 (MANE Select); coding-DNA position 265, G replaced by A.
Protein change: p.Val89Ile; replaces valine 89 with isoleucine.
Molecular consequence: missense variant. On other transcripts: intron variant (1).
Genome position (GRCh38, 1-based): chr7:139,911,253, G>A. VCF-style: chr7-139911253-G-A. GRCh37 (hg19) VCF-style: chr7-139611052-G-A.
Other names: c.268G>A (NM_001061.4); c.265G>A, p.Val89Ile (NM_001130966.5, NM_001166253.4, NM_001366538.2 and 1 more transcripts); c.64G>A, p.Val22Ile (NM_001166254.4); c.208G>A, p.Val70Ile (NM_001314028.4); c.151-24938G>A (NM_001366537.3); short protein forms V90I, V70I, V89I, V22I.
Identifiers: ClinVar variation 2062884 (VCV002062884.4), dbSNP rs149814692, ClinGen allele CA4511559.